The following is an entry in ClinVar:

NM_007294.4(BRCA1):c.1763_1764del (p.Ser588fs)

Gene: BRCA1 (BRCA1 DNA repair associated; minus strand). Cytogenetic location: 17q21.31.
Variant type: Deletion.
Coding change: c.1763_1764del on transcript NM_007294.4 (MANE Select); coding-DNA positions 1763 to 1764, 2 bases deleted (GC; older notation c.1763_1764delGC).
Protein change: p.Ser588fs; shifts the reading frame from serine 588.
Molecular consequence: frameshift variant. On other transcripts: intron variant (137).
Genome position (GRCh38, 1-based): chr17:43,093,767-43,093,768, GC deleted on the plus strand (GC on the coding strand, the reverse complement: BRCA1 is on the minus strand). VCF-style (leftmost placement, unchanged base first): chr17-43093766-TGC-T. GRCh37 (hg19) VCF-style: chr17-41245783-TGC-T.
Other names: c.1550_1551del, p.Ser517fs (NM_001407571.1, NM_001407898.1, NM_001407899.1 and 9 more transcripts); c.1763_1764del, p.Ser588fs (NM_001407581.1, NM_001407582.1, NM_001407583.1 and 30 more transcripts); c.1760_1761del, p.Ser587fs (NM_001407587.1, NM_001407590.1, NM_001407591.1 and 22 more transcripts); c.1685_1686del, p.Ser562fs (NM_001407655.1, NM_001407656.1, NM_001407657.1 and 4 more transcripts); c.1682_1683del, p.Ser561fs (NM_001407659.1, NM_001407660.1, NM_001407661.1 and 1 more transcripts); c.1637_1638del, p.Ser546fs (NM_001407673.1, NM_001407691.1, NM_001407941.1 and 11 more transcripts); c.1640_1641del, p.Ser547fs (NM_001407674.1, NM_001407675.1, NM_001407676.1 and 19 more transcripts); c.1622_1623del, p.Ser541fs (NM_001407692.1, NM_001407694.1, NM_001407695.1 and 29 more transcripts); and 40 more; short protein forms S541fs, S588fs, S476fs, S477fs, S521fs, S540fs, S547fs, S561fs.
Identifiers: ClinVar variation 246392 (VCV000246392.2), dbSNP rs879254237, ClinGen allele CA10584569.
Genomic context (GRCh38, chr17:43,093,766, plus strand): 5'-TCTTTTTAGGTGCTTTTGAATTGTGGATATTTAATTCGAGTTCCATATTGCTTATACTGC[TGC>T]TTATAGGTTCAGCTTTCGTTTTGAAAGCAGATTCTTTTTCGAGTGATTCTATTGGGTTAG-3'

ClinVar aggregate classification (germline): Pathogenic (3 of 4 stars; one submission).

Conditions:
Breast-ovarian cancer, familial, susceptibility to, 1 (BROVCA1). Also called: BRCA1 Hereditary Breast and Ovarian Cancer; OVARIAN CANCER, SUSCEPTIBILITY TO. Identifiers: Orphanet 145, MedGen C2676676, MONDO:0011450, OMIM 604370. Disease mechanism: loss of function.

Submission:

Evidence-based Network for the Interpretation of Germline Mutant Alleles (ENIGMA)
Classification: Pathogenic for Breast-ovarian cancer, familial, susceptibility to, 1. Last evaluated: 2017-12-15. Review status: reviewed by expert panel. Criteria: ENIGMA BRCA1/2 Classification Criteria (2017-06-29). Collection method: curation. Allele origin: germline. Study: ENIGMA.
Comment: Variant allele predicted to encode a truncated non-functional protein.